The following is an entry in ClinVar:

ClinVar aggregate classification (germline): Uncertain significance (1 of 4 stars; one submission).

Conditions:
Weaver syndrome (WVS). Also called: Weaver Smith syndrome; Overgrowth syndrome with accelerated skeletal maturation, unusual facies, and camptodactyly. Identifiers: Orphanet 3447, MedGen C0265210, MONDO:0010193, OMIM 277590.

Submission:

Labcorp Genetics (formerly Invitae), Labcorp
Classification: Uncertain significance for Weaver syndrome. Last evaluated: 2025-09-09. Review status: criteria provided, single submitter. Criteria: Invitae Variant Classification Sherloc (09022015). Collection method: clinical testing. Allele origin: germline.
Comment: This sequence change falls in intron 4 of the EZH2 gene. It does not directly change the encoded amino acid sequence of the EZH2 protein. It affects a nucleotide within the consensus splice site. This variant is not present in population databases (gnomAD no frequency). This variant has not been reported in the literature in individuals affected with EZH2-related conditions. Variants that disrupt the consensus splice site are a relatively common cause of aberrant splicing (PMID: 17576681, 9536098). Algorithms developed to predict the effect of sequence changes on RNA splicing suggest that this variant is not likely to affect RNA splicing. In summary, the available evidence is currently insufficient to determine the role of this variant in disease. Therefore, it has been classified as a Variant of Uncertain Significance.

Literature cited by the submitters: PubMed 17576681; PubMed 9536098.

NM_004456.5(EZH2):c.364-3T>C

Gene: EZH2 (enhancer of zeste 2 polycomb repressive complex 2 subunit; minus strand). Cytogenetic location: 7q36.1.
Variant type: single nucleotide variant.
Coding change: c.364-3T>C on transcript NM_004456.5 (MANE Select); 3 bases into the intron before coding-DNA position 364, T replaced by C.
Molecular consequence: intron variant.
Genome position (GRCh38, 1-based): chr7:148,829,851, A>G on the plus strand (T>C on the coding strand, the complement: EZH2 is on the minus strand). VCF-style: chr7-148829851-A-G. GRCh37 (hg19) VCF-style: chr7-148526943-A-G.
Other names: c.337-3T>C (NM_001203248.2, NM_001203249.2); c.247-3T>C (NM_152998.3); c.364-3T>C (NM_001203247.2).
Identifiers: ClinVar variation 4746095 (VCV004746095.1).
Genomic context (GRCh38, chr7:148,829,851, plus strand): 5'-GATCTAAAACTTCATCTCCCATATAAGGAATGTTATGTAAAACAGTTTCATCTTCCACCT[A>G]AAAGAAAAAAATATATTTAAAAAGCAGGTTTACTCTAAGTATCAAATGTGAAATAACTAA-3'